The following is an entry in ClinVar:

NM_001876.4(CPT1A):c.144C>T (p.Asn48=)

Gene: CPT1A (carnitine palmitoyltransferase 1A; minus strand). Cytogenetic location: 11q13.3.
Variant type: single nucleotide variant.
Coding change: c.144C>T on transcript NM_001876.4 (MANE Select); coding-DNA position 144, C replaced by T.
Protein change: p.Asn48=; no amino-acid change (asparagine 48 retained).
Molecular consequence: synonymous variant.
Genome position (GRCh38, 1-based): chr11:68,812,574, G>A on the plus strand (C>T on the coding strand, the complement: CPT1A is on the minus strand). VCF-style: chr11-68812574-G-A. GRCh37 (hg19) VCF-style: chr11-68580042-G-A.
Other names: c.144C>T, p.Asn48= (NM_001031847.3).
Identifiers: ClinVar variation 509674 (VCV000509674.14), dbSNP rs182451427, ClinGen allele CA6152765.
Genomic context (GRCh38, chr11:68,812,574, plus strand): 5'-GCCCACCACCACGATAAGCCAACTGGAGGGGCTTGCCGGGTACACGCCAGTGATGATGCC[G>A]TTCTAAAGACAGACACCCGGGCCGTGAGCGGTGTCCTCCCACAACCCACAGGGCAATGAC-3'
Protein context (NP_001867.2, residues 38-58): SWKKKFIRFK[Asn48=]GIITGVYPAS

ClinVar aggregate classification (germline): Likely benign. Review status: criteria provided, multiple submitters, no conflicts (2 of 4 stars). 3 submissions from 3 submitters: Likely benign (2). 1 of the submissions does not count toward it. Last evaluated 2025-12-11.

Conditions:
Carnitine palmitoyl transferase 1A deficiency. Also called: Carnitine palmitoyltransferase 1A deficiency; CPT I DEFICIENCY; CPT DEFICIENCY, HEPATIC, TYPE I; Carnitine palmitoyltransferase type I deficiency; CPT deficiency, hepatic, type IA. Identifiers: Orphanet 156, MedGen C1829703, MONDO:0009705, OMIM 255120.
CPT1A-related disorder. Also called: CPT1A-related condition.

Allele frequency attached by ClinVar (database versions not stated): ExAC 0.00007; gnomAD exomes 0.00008; gnomAD 0.00041 and 0.00043; 1000 Genomes Project 30x 0.00078; TOPMed 0.00084; 1000 Genomes Project 0.00100.
gnomAD v4.1: 219 of 1,614,092 alleles (0.014%); highest among the groups gnomAD compares: Admixed American, 0.12%; no homozygotes.

Submissions (3):

Labcorp Genetics (formerly Invitae), Labcorp
Classification: Likely benign for Carnitine palmitoyl transferase 1A deficiency. Last evaluated: 2025-12-11. Review status: criteria provided, single submitter. Criteria: Invitae Variant Classification Sherloc (09022015). Collection method: clinical testing. Allele origin: germline.

GeneDx
Classification: Likely benign. Last evaluated: 2017-05-25. Review status: criteria provided, single submitter. Criteria: GeneDx Variant Classification (06012015). Collection method: clinical testing. Allele origin: germline. Affected: yes.
Comment: This variant is considered likely benign or benign based on one or more of the following criteria: it is a conservative change, it occurs at a poorly conserved position in the protein, it is predicted to be benign by multiple in silico algorithms, and/or has population frequency not consistent with disease.

PreventionGenetics, part of Exact Sciences
Classification: Likely benign for CPT1A-related condition. Last evaluated: 2019-03-20. Review status: no assertion criteria provided. Collection method: clinical testing. Allele origin: germline. Not counted in ClinVar's aggregate classification.
Comment: This variant is classified as likely benign based on ACMG/AMP sequence variant interpretation guidelines (Richards et al. 2015 PMID: 25741868, with internal and published modifications).